The following is an entry in ClinVar:

ClinVar aggregate classification (germline): Uncertain significance (1 of 4 stars; one submission).

Allele frequency attached by ClinVar (database versions not stated): gnomAD exomes below 0.00001.
gnomAD v4.1: 1 of 1,612,464 alleles (0.000062%); highest among the groups gnomAD compares: Non-Finnish European, 0.000085%; no homozygotes.

Submission:

Labcorp Genetics (formerly Invitae), Labcorp
Classification: Uncertain significance. Last evaluated: 2021-09-28. Review status: criteria provided, single submitter. Criteria: Invitae Variant Classification Sherloc (09022015). Collection method: clinical testing. Allele origin: germline.
Comment: In summary, the available evidence is currently insufficient to determine the role of this variant in disease. Therefore, it has been classified as a Variant of Uncertain Significance. Algorithms developed to predict the effect of missense changes on protein structure and function output the following: SIFT: "Tolerated"; PolyPhen-2: "Possibly Damaging"; Align-GVGD: "Class C0". The alanine amino acid residue is found in multiple mammalian species, which suggests that this missense change does not adversely affect protein function. This variant has not been reported in the literature in individuals affected with HMCN1-related conditions. This variant is not present in population databases (ExAC no frequency). This sequence change replaces glutamic acid with alanine at codon 293 of the HMCN1 protein (p.Glu293Ala). The glutamic acid residue is weakly conserved and there is a moderate physicochemical difference between glutamic acid and alanine.

NM_031935.3(HMCN1):c.878A>C (p.Glu293Ala)

Gene: HMCN1 (hemicentin 1; plus strand). Cytogenetic location: 1q31.1.
Variant type: single nucleotide variant.
Coding change: c.878A>C on transcript NM_031935.3 (MANE Select); coding-DNA position 878, A replaced by C.
Protein change: p.Glu293Ala; replaces glutamic acid 293 with alanine.
Molecular consequence: missense variant.
Genome position (GRCh38, 1-based): chr1:185,911,758, A>C. VCF-style: chr1-185911758-A-C. GRCh37 (hg19) VCF-style: chr1-185880890-A-C.
Other names: short protein forms E293A.
Identifiers: ClinVar variation 1445878 (VCV001445878.6), dbSNP rs2102455477, ClinGen allele CA343886408.
Genomic context (GRCh38, chr1:185,911,758, plus strand): 5'-GCCTGCATGAGCTATTAAATATCCATAACTCTGCCAAAGTAGTGAATGTGAAAGAGCCAG[A>C]GGCTGGAATGTGGACAGTGAAGGTACGGTTGTTTCACAAAGTTTGTTTATTGTTTTATTT-3'
Protein context (NP_114141.2, residues 283-303): SAKVVNVKEP[Glu293Ala]AGMWTVKTSS